The following is an entry in ClinVar:

NM_025103.4(IFT74):c.727-4T>C

Gene: IFT74 (intraflagellar transport 74; plus strand). Cytogenetic location: 9p21.2.
Variant type: single nucleotide variant.
Coding change: c.727-4T>C on transcript NM_025103.4 (MANE Select); 4 bases into the intron before coding-DNA position 727, T replaced by C.
Molecular consequence: intron variant.
Genome position (GRCh38, 1-based): chr9:27,011,902, T>C. VCF-style: chr9-27011902-T-C. GRCh37 (hg19) VCF-style: chr9-27011900-T-C.
Other names: c.727-4T>C (NM_001099223.3, NM_001099222.3, NM_001349928.2 and 2 more transcripts).
Identifiers: ClinVar variation 1336389 (VCV001336389.5), dbSNP rs2131607206, ClinGen allele CA2573053169.

ClinVar aggregate classification (germline): Uncertain significance. Review status: criteria provided, single submitter (1 of 4 stars). 2 submissions from 2 submitters: Uncertain significance (1). 1 of the submissions does not count toward it. Last evaluated 2017-11-01.

Conditions:
IFT74-related disorder. Also called: IFT74-related condition; IFT74-Related Disorders.

gnomAD v4.1: 1 of 1,538,024 alleles (0.000065%); highest among the groups gnomAD compares: Non-Finnish European, 0.000087%; no homozygotes.

Submissions (2):

Genetic Services Laboratory, University of Chicago
Classification: Uncertain significance. Last evaluated: 2017-11-01. Review status: criteria provided, single submitter. Criteria: ACMG Guidelines, 2015. Collection method: clinical testing. Allele origin: germline. Affected: no.

PreventionGenetics, part of Exact Sciences
Classification: Likely benign for IFT74-related condition. Last evaluated: 2020-06-01. Review status: no assertion criteria provided. Collection method: clinical testing. Allele origin: germline. Not counted in ClinVar's aggregate classification.
Comment: This variant is classified as likely benign based on ACMG/AMP sequence variant interpretation guidelines (Richards et al. 2015 PMID: 25741868, with internal and published modifications).